The following is an entry in ClinVar:

NM_001286.5(CLCN6):c.2243C>T (p.Ser748Leu)

Gene: CLCN6 (Cl-/H+ antiporter 6; plus strand). Cytogenetic location: 1p36.22.
Variant type: single nucleotide variant.
Coding change: c.2243C>T on transcript NM_001286.5 (MANE Select); coding-DNA position 2243, C replaced by T.
Protein change: p.Ser748Leu; replaces serine 748 with leucine.
Molecular consequence: missense variant. On other transcripts: non-coding transcript variant (1).
Genome position (GRCh38, 1-based): chr1:11,837,447, C>T. VCF-style: chr1-11837447-C-T. GRCh37 (hg19) VCF-style: chr1-11897504-C-T.
Other names: c.2177C>T, p.Ser726Leu (NM_001256959.2); c.2243C>T (NM_001286.2); short protein forms S726L, S748L.
Identifiers: ClinVar variation 3014325 (VCV003014325.5), dbSNP rs200061168, ClinGen allele CA596756.

ClinVar aggregate classification (germline): Uncertain significance. Review status: criteria provided, multiple submitters, no conflicts (2 of 4 stars). 3 submissions from 3 submitters: Uncertain significance (3). Last evaluated 2026-02-17.

Conditions:
Neuronal ceroid lipofuscinosis 15. Also called: Neurodegeneration, childhood-onset, with hypotonia, respiratory insufficiency, and brain imaging abnormalities; Neurodegeneration, childhood-onset, hypotonia, respiratory insufficiency and brain imaging abnormalities. Identifiers: Orphanet 610573, MedGen C5543020, MONDO:0030947, OMIM 619173.

Allele frequency attached by ClinVar (database versions not stated): gnomAD 0.00001; ExAC 0.00003; 1000 Genomes Project 0.00020; 1000 Genomes Project 30x 0.00031.
gnomAD v4.1: 14 of 1,614,104 alleles (0.00087%); highest among the groups gnomAD compares: Admixed American, 0.005%; no homozygotes.

Submissions (3):

Ambry Genetics
Classification: Uncertain significance. Last evaluated: 2026-02-17. Review status: criteria provided, single submitter. Criteria: Ambry Variant Classification Scheme 2023. Collection method: clinical testing. Allele origin: germline.
Comment: The c.2243C>T (p.S748L) alteration is located in exon 20 (coding exon 20) of the CLCN6 gene. This alteration results from a C to T substitution at nucleotide position 2243, causing the serine (S) at amino acid position 748 to be replaced by a leucine (L). Based on data from gnomAD, the T allele has an overall frequency of 0.002% (4/251464) total alleles studied. The highest observed frequency was 0.006% (2/34576) of Latino alleles. Based on insufficient or conflicting evidence, the clinical significance of this alteration remains unclear.

Genomic Medicine Center of Excellence, King Faisal Specialist Hospital and Research Centre
Classification: Uncertain significance for Neuronal ceroid lipofuscinosis 15. Last evaluated: 2025-09-10. Review status: criteria provided, single submitter. Criteria: ACMG Guidelines, 2015. Collection method: clinical testing. Allele origin: germline.

Labcorp Genetics (formerly Invitae), Labcorp
Classification: Uncertain significance. Last evaluated: 2025-02-17. Review status: criteria provided, single submitter. Criteria: Invitae Variant Classification Sherloc (09022015). Collection method: clinical testing. Allele origin: germline.
Comment: This sequence change replaces serine, which is neutral and polar, with leucine, which is neutral and non-polar, at codon 748 of the CLCN6 protein (p.Ser748Leu). This variant is present in population databases (rs200061168, gnomAD 0.006%). This variant has not been reported in the literature in individuals affected with CLCN6-related conditions. ClinVar contains an entry for this variant (Variation ID: 3014325). An algorithm developed to predict the effect of missense changes on protein structure and function (PolyPhen-2) suggests that this variant is likely to be tolerated. In summary, the available evidence is currently insufficient to determine the role of this variant in disease. Therefore, it has been classified as a Variant of Uncertain Significance.